The following is an entry in ClinVar:

ClinVar aggregate classification (germline): Conflicting classifications of pathogenicity. Review status: criteria provided, conflicting classifications (1 of 4 stars). 2 submissions from 2 submitters: Uncertain significance (1); Likely benign (1). Last evaluated 2024-09-05.

Conditions:
Familial cancer of breast. Also called: Hereditary breast cancer; hereditary breast carcinoma; BREAST CANCER, FAMILIAL. Identifiers: Orphanet 227535, MedGen C0346153, MONDO:0016419, OMIM 114480. Disease mechanism: loss of function.
Fanconi anemia complementation group J. Also called: BRIP1-Related Fanconi Anemia. Identifiers: Orphanet 84, MedGen C1836860, MONDO:0012187, OMIM 609054.
Hereditary cancer-predisposing syndrome. Also called: Hereditary Cancer Syndrome; Neoplastic Syndromes, Hereditary; Hereditary neoplastic syndrome; Tumor predisposition. Identifiers: Orphanet 140162, MedGen C0027672, MeSH D009386, MONDO:0015356.

Allele frequency attached by ClinVar (database versions not stated): gnomAD exomes below 0.00001.
gnomAD v4.1: 1 of 1,614,132 alleles (0.000062%); highest among the groups gnomAD compares: African/African-American, 0.0013%; no homozygotes.

Submissions (2):

Ambry Genetics
Classification: Likely benign for Hereditary cancer-predisposing syndrome. Last evaluated: 2024-09-05. Review status: criteria provided, single submitter. Criteria: Ambry Variant Classification Scheme 2023. Collection method: clinical testing. Allele origin: germline.

Labcorp Genetics (formerly Invitae), Labcorp
Classification: Uncertain significance for Familial cancer of breast; Fanconi anemia complementation group J. Last evaluated: 2021-05-05. Review status: criteria provided, single submitter. Criteria: Invitae Variant Classification Sherloc (09022015). Collection method: clinical testing. Allele origin: germline.
Comment: In summary, the available evidence is currently insufficient to determine the role of this variant in disease. Therefore, it has been classified as a Variant of Uncertain Significance. Algorithms developed to predict the effect of missense changes on protein structure and function (SIFT, PolyPhen-2, Align-GVGD) all suggest that this variant is likely to be tolerated, but these predictions have not been confirmed by published functional studies and their clinical significance is uncertain. This variant has not been reported in the literature in individuals with BRIP1-related conditions. ClinVar contains an entry for this variant (Variation ID: 823457). This variant is not present in population databases (ExAC no frequency). This sequence change replaces alanine with serine at codon 1098 of the BRIP1 protein (p.Ala1098Ser). The alanine residue is weakly conserved and there is a moderate physicochemical difference between alanine and serine.

NM_032043.3(BRIP1):c.3292G>T (p.Ala1098Ser)

Gene: BRIP1 (BRCA1 interacting DNA helicase 1; minus strand). Cytogenetic location: 17q23.2.
Variant type: single nucleotide variant.
Coding change: c.3292G>T on transcript NM_032043.3 (MANE Select); coding-DNA position 3292, G replaced by T.
Protein change: p.Ala1098Ser; replaces alanine 1098 with serine.
Molecular consequence: missense variant.
Genome position (GRCh38, 1-based): chr17:61,683,754, C>A on the plus strand (G>T on the coding strand, the complement: BRIP1 is on the minus strand). VCF-style: chr17-61683754-C-A. GRCh37 (hg19) VCF-style: chr17-59761115-C-A.
Other names: short protein forms A1098S.
Identifiers: ClinVar variation 823457 (VCV000823457.14), dbSNP rs1034545913, ClinGen allele CA292267341.